The following is an entry in ClinVar:

NM_001267550.2(TTN):c.103382A>T (p.Gln34461Leu)

Genes: TTN-AS1 (TTN antisense RNA 1; plus strand), TTN (titin; minus strand). Cytogenetic location: 2q31.2.
Variant type: single nucleotide variant.
Coding change: c.103382A>T on transcript NM_001267550.2 (MANE Select); coding-DNA position 103382, A replaced by T.
Protein change: p.Gln34461Leu; replaces glutamine 34461 with leucine.
Molecular consequence: missense variant.
Genome position (GRCh38, 1-based): chr2:178,533,233, T>A on the plus strand (A>T on the coding strand, the complement: TTN is on the minus strand). VCF-style: chr2-178533233-T-A. GRCh37 (hg19) VCF-style: chr2-179397960-T-A.
Other names: c.98459A>T, p.Gln32820Leu (NM_001256850.1); c.76187A>T, p.Gln25396Leu (NM_003319.4); c.95678A>T, p.Gln31893Leu (NM_133378.4); c.76562A>T, p.Gln25521Leu (NM_133432.3); c.76763A>T, p.Gln25588Leu (NM_133437.4); short protein forms Q25588L, Q25521L, Q34461L, Q25396L, Q32820L, Q31893L.
Identifiers: ClinVar variation 2076453 (VCV002076453.4), dbSNP rs2468484754, ClinGen allele CA349414401.

ClinVar aggregate classification (germline): Uncertain significance (1 of 4 stars; one submission).

Conditions:
Dilated cardiomyopathy 1G (CMD1G). Identifiers: Orphanet 154, MedGen C1858763, MONDO:0011400, OMIM 604145.
Autosomal recessive limb-girdle muscular dystrophy type 2J (LGMDR10). Also called: Limb-girdle muscular dystrophy, type 2J; MUSCULAR DYSTROPHY, LIMB-GIRDLE, AUTOSOMAL RECESSIVE 10. Identifiers: Orphanet 140922, MedGen C1837342, MONDO:0012127, OMIM 608807.

Submission:

Labcorp Genetics (formerly Invitae), Labcorp
Classification: Uncertain significance for Dilated cardiomyopathy 1G; Autosomal recessive limb-girdle muscular dystrophy type 2J. Last evaluated: 2022-03-17. Review status: criteria provided, single submitter. Criteria: Invitae Variant Classification Sherloc (09022015). Collection method: clinical testing. Allele origin: germline.
Comment: This variant is not present in population databases (gnomAD no frequency). This sequence change replaces glutamine, which is neutral and polar, with leucine, which is neutral and non-polar, at codon 34461 of the TTN protein (p.Gln34461Leu). This variant has not been reported in the literature in individuals affected with TTN-related conditions. Experimental studies and prediction algorithms are not available or were not evaluated, and the functional significance of this variant is currently unknown. This variant is located in the M band of TTN (PMID: 25589632). Variants in this region may be relevant for neuromuscular disorders, but have not been definitively shown to cause cardiomyopathy (PMID: 23975875). In summary, the available evidence is currently insufficient to determine the role of this variant in disease. Therefore, it has been classified as a Variant of Uncertain Significance.

Literature cited by the submitters: PubMed 25589632; PubMed 23975875.